The following is an entry in ClinVar:

ClinVar aggregate classification (germline): Uncertain significance (0 of 4 stars; one submission).

Conditions:
PLXNA4-related disorder. Also called: PLXNA4-related condition.

gnomAD v4.1: 1 of 1,607,022 alleles (0.000062%); highest among the groups gnomAD compares: Non-Finnish European, 0.000085%; no homozygotes.

Submission:

PreventionGenetics, part of Exact Sciences
Classification: Uncertain significance for PLXNA4-related condition. Last evaluated: 2024-03-29. Review status: no assertion criteria provided. Collection method: clinical testing. Allele origin: germline.
Comment: The PLXNA4 c.1296G>A variant is predicted to result in the amino acid substitution p.Met432Ile. To our knowledge, this variant has not been reported in the literature. This variant is reported in 0.0062% of alleles in individuals of African descent in gnomAD. At this time, the clinical significance of this variant is uncertain due to the absence of conclusive functional and genetic evidence.

NM_020911.2(PLXNA4):c.1296G>A (p.Met432Ile)

Gene: PLXNA4 (plexin A4; minus strand). Cytogenetic location: 7q32.3.
Variant type: single nucleotide variant.
Coding change: c.1296G>A on transcript NM_020911.2 (MANE Select); coding-DNA position 1296, G replaced by A.
Protein change: p.Met432Ile; replaces methionine 432 with isoleucine.
Molecular consequence: missense variant.
Genome position (GRCh38, 1-based): chr7:132,489,367, C>T on the plus strand (G>A on the coding strand, the complement: PLXNA4 is on the minus strand). VCF-style: chr7-132489367-C-T. GRCh37 (hg19) VCF-style: chr7-132174126-C-T.
Other names: c.1296G>A, p.Met432Ile (NM_001105543.2, NM_001393897.1, NM_181775.4); short protein forms M432I.
Identifiers: ClinVar variation 3344799 (VCV003344799.1).